The following is an entry in ClinVar:

NM_001164496.2(CFAP44):c.1327-3dup

Genes: CFAP44 (cilia and flagella associated protein 44; minus strand), SPICE1-CFAP44 (SPICE1-CFAP44 readthrough (NMD candidate); minus strand). Cytogenetic location: 3q13.2.
Variant type: Duplication.
Coding change: c.1327-3dup on transcript NM_001164496.2 (MANE Select); 3 bases into the intron before coding-DNA position 1327, one base duplicated (T; older notation c.1327-3dupT).
Molecular consequence: intron variant.
Genome position (GRCh38, 1-based): chr3:113,401,290, A duplicated on the plus strand (T on the coding strand, the reverse complement: CFAP44 is on the minus strand); the first of 7 consecutive A bases (chr3:113,401,290-113,401,296); duplicating any one gives the same sequence. VCF-style (leftmost placement, unchanged base first): chr3-113401289-T-TA. GRCh37 (hg19) VCF-style: chr3-113120136-T-TA.
Other names: c.1327-3dup (NM_018338.3).
Identifiers: ClinVar variation 3057286 (VCV003057286.2), dbSNP rs577351861, ClinGen allele CA2544214.

ClinVar aggregate classification (germline): Likely benign (0 of 4 stars; one submission).

Conditions:
CFAP44-related disorder. Also called: CFAP44-related condition.

Submission:

PreventionGenetics, part of Exact Sciences
Classification: Likely benign for CFAP44-related condition. Last evaluated: 2019-03-26. Review status: no assertion criteria provided. Collection method: clinical testing. Allele origin: germline.
Comment: This variant is classified as likely benign based on ACMG/AMP sequence variant interpretation guidelines (Richards et al. 2015 PMID: 25741868, with internal and published modifications).